The following is an entry in ClinVar:

NM_002381.5(MATN3):c.56C>G (p.Pro19Arg)

Gene: MATN3 (matrilin 3; minus strand). Cytogenetic location: 2p24.1.
Variant type: single nucleotide variant.
Coding change: c.56C>G on transcript NM_002381.5 (MANE Select); coding-DNA position 56, C replaced by G.
Protein change: p.Pro19Arg; replaces proline 19 with arginine.
Molecular consequence: missense variant.
Genome position (GRCh38, 1-based): chr2:20,012,576, G>C on the plus strand (C>G on the coding strand, the complement: MATN3 is on the minus strand). VCF-style: chr2-20012576-G-C. GRCh37 (hg19) VCF-style: chr2-20212337-G-C.
Other names: c.56C>G (NM_002381.4); short protein forms P19R.
Identifiers: ClinVar variation 1389383 (VCV001389383.30), dbSNP rs998913882, ClinGen allele CA43408143.
Genomic context (GRCh38, chr2:20,012,576, plus strand): 5'-AGCCTCCGGAAGCCCGGGCGGGCCACGGGGTCGGGGGCGGCGGAGGGCAGCAGCAGCAGC[G>C]GCCAGAGCAGCAGGAGGAGTCCCGGGAGGCGGCGCGCGGGGGCCGGGCGCGGCATGGTGG-3'
Protein context (NP_002372.1, residues 9-29): RLPGLLLLLW[Pro19Arg]LLLLPSAAPD

ClinVar aggregate classification (germline): Uncertain significance. Review status: criteria provided, multiple submitters, no conflicts (2 of 4 stars). 3 submissions from 3 submitters: Uncertain significance (3). Last evaluated 2024-09-15.

Conditions:
Inborn genetic diseases. Identifiers: MedGen C0950123, MeSH D030342.

Allele frequency attached by ClinVar (database versions not stated): gnomAD 0.00001 and 0.00002; TOPMed 0.00001.
gnomAD v4.1: 15 of 1,226,626 alleles (0.0012%); highest among the groups gnomAD compares: African/African-American, 0.0016%; no homozygotes.

Submissions (3):

Labcorp Genetics (formerly Invitae), Labcorp
Classification: Uncertain significance. Last evaluated: 2024-09-15. Review status: criteria provided, single submitter. Criteria: Invitae Variant Classification Sherloc (09022015). Collection method: clinical testing. Allele origin: germline.
Comment: This sequence change replaces proline, which is neutral and non-polar, with arginine, which is basic and polar, at codon 19 of the MATN3 protein (p.Pro19Arg). This variant is not present in population databases (gnomAD no frequency). This variant has not been reported in the literature in individuals affected with MATN3-related conditions. ClinVar contains an entry for this variant (Variation ID: 1389383). Experimental studies and prediction algorithms are not available or were not evaluated, and the functional significance of this variant is currently unknown. In summary, the available evidence is currently insufficient to determine the role of this variant in disease. Therefore, it has been classified as a Variant of Uncertain Significance.

Ambry Genetics
Classification: Uncertain significance for Inborn genetic diseases. Last evaluated: 2024-04-30. Review status: criteria provided, single submitter. Criteria: Ambry Variant Classification Scheme 2023. Collection method: clinical testing. Allele origin: germline.

CeGaT Center for Human Genetics Tuebingen
Classification: Uncertain significance. Last evaluated: 2024-03-01. Review status: criteria provided, single submitter. Criteria: CeGaT Center For Human Genetics Tuebingen Variant Classification Criteria Version 2. Collection method: clinical testing. Allele origin: germline. Affected: yes. Observed: 1 variant allele.